The following is an entry in ClinVar:

NM_177438.3(DICER1):c.256A>G (p.Arg86Gly)

Gene: DICER1 (dicer 1, ribonuclease III; minus strand). Cytogenetic location: 14q32.13.
Variant type: single nucleotide variant.
Coding change: c.256A>G on transcript NM_177438.3 (MANE Select); coding-DNA position 256, A replaced by G.
Protein change: p.Arg86Gly; replaces arginine 86 with glycine.
Molecular consequence: missense variant.
Genome position (GRCh38, 1-based): chr14:95,132,566, T>C on the plus strand (A>G on the coding strand, the complement: DICER1 is on the minus strand). VCF-style: chr14-95132566-T-C. GRCh37 (hg19) VCF-style: chr14-95598903-T-C.
Other names: c.256A>G, p.Arg86Gly (NM_001195573.1, NM_001271282.3, NM_001291628.2 and 1 more transcripts); short protein forms R86G.
Identifiers: ClinVar variation 483456 (VCV000483456.5), dbSNP rs1555376374, ClinGen allele CA390889798.

ClinVar aggregate classification (germline): Uncertain significance (1 of 4 stars; one submission).

Conditions:
Hereditary cancer-predisposing syndrome. Also called: Neoplastic Syndromes, Hereditary; Tumor predisposition; Hereditary Cancer Syndrome; Hereditary neoplastic syndrome. Identifiers: Orphanet 140162, MedGen C0027672, MeSH D009386, MONDO:0015356.

Submission:

Ambry Genetics
Classification: Uncertain significance for Hereditary cancer-predisposing syndrome. Last evaluated: 2017-07-19. Review status: criteria provided, single submitter. Criteria: Ambry Variant Classification Scheme 2023. Collection method: clinical testing. Allele origin: germline.
Comment: The p.R86G variant (also known as c.256A>G), located in coding exon 2 of the DICER1 gene, results from an A to G substitution at nucleotide position 256. The arginine at codon 86 is replaced by glycine, an amino acid with dissimilar properties. This amino acid position is highly conserved in available vertebrate species. In addition, the in silico prediction for this alteration is inconclusive. Since supporting evidence is limited at this time, the clinical significance of this alteration remains unclear.